The following is an entry in ClinVar:

NM_001283009.2(RTEL1):c.2501T>C (p.Leu834Pro)

Genes: RTEL1 (regulator of telomere elongation helicase 1; plus strand), RTEL1-TNFRSF6B (RTEL1-TNFRSF6B readthrough (NMD candidate); plus strand). Cytogenetic location: 20q13.33.
Variant type: single nucleotide variant.
Coding change: c.2501T>C on transcript NM_001283009.2 (MANE Select); coding-DNA position 2501, T replaced by C.
Protein change: p.Leu834Pro; replaces leucine 834 with proline.
Molecular consequence: missense variant. On other transcripts: non-coding transcript variant (1).
Genome position (GRCh38, 1-based): chr20:63,690,892, T>C. VCF-style: chr20-63690892-T-C. GRCh37 (hg19) VCF-style: chr20-62322245-T-C.
Other names: c.1832T>C, p.Leu611Pro (NM_001283010.1); c.2501T>C, p.Leu834Pro (NM_016434.4); c.2573T>C, p.Leu858Pro (NM_032957.5); short protein forms L834P, L858P, L611P.
Identifiers: ClinVar variation 5028533 (VCV005028533.1).
Genomic context (GRCh38, chr20:63,690,892, plus strand): 5'-GTAGCCTGTGTGTGGAGTATGAGCAGGAGCCAGTTCCTGCCCGGCAGAGGCCCAGGGGGC[T>C]GCTGGCCGCCCTGGAGCACAGCGAACAGCGGGCGGGGAGCCCTGGCGAGGAGCAGGTACA-3'
Protein context (NP_001269938.1, residues 824-844): PVPARQRPRG[Leu834Pro]LAALEHSEQR

ClinVar aggregate classification (germline): Uncertain significance (1 of 4 stars; one submission).

Conditions:
Inborn genetic diseases. Identifiers: MedGen C0950123, MeSH D030342.

Submission:

Ambry Genetics
Classification: Uncertain significance for Inborn genetic diseases. Last evaluated: 2026-09-04. Review status: criteria provided, single submitter. Criteria: Ambry Variant Classification Scheme 2023. Collection method: clinical testing. Allele origin: germline.
Comment: The p.L834P variant (also known as c.2501T>C), located in coding exon 26 of the RTEL1 gene, results from a T to C substitution at nucleotide position 2501. The leucine at codon 834 is replaced by proline, an amino acid with similar properties. This amino acid position is conserved. In addition, the in silico prediction for this alteration is inconclusive. Based on the available evidence, the clinical significance of this variant remains unclear.